The following is an entry in ClinVar:

ClinVar aggregate classification (germline): Uncertain significance (1 of 4 stars; one submission).

Conditions:
Hereditary cancer-predisposing syndrome. Also called: Neoplastic Syndromes, Hereditary; Tumor predisposition; Hereditary Cancer Syndrome; Hereditary neoplastic syndrome. Identifiers: Orphanet 140162, MedGen C0027672, MeSH D009386, MONDO:0015356.

Submission:

Ambry Genetics
Classification: Uncertain significance for Hereditary cancer-predisposing syndrome. Last evaluated: 2025-08-07. Review status: criteria provided, single submitter. Criteria: Ambry Variant Classification Scheme 2023. Collection method: clinical testing. Allele origin: germline.
Comment: The p.G183R variant (also known as c.547G>C), located in coding exon 3 of the RET gene, results from a G to C substitution at nucleotide position 547. The glycine at codon 183 is replaced by arginine, an amino acid with dissimilar properties. This amino acid position is conserved. In addition, this alteration is predicted to be deleterious by in silico analysis. Based on the available evidence, the clinical significance of this variant remains unclear.

NM_020975.6(RET):c.547G>C (p.Gly183Arg)

Gene: RET (ret proto-oncogene; plus strand). Cytogenetic location: 10q11.21.
Variant type: single nucleotide variant.
Coding change: c.547G>C on transcript NM_020975.6 (MANE Select); coding-DNA position 547, G replaced by C.
Protein change: p.Gly183Arg; replaces glycine 183 with arginine.
Molecular consequence: missense variant. On other transcripts: intron variant (15).
Genome position (GRCh38, 1-based): chr10:43,102,551, G>C. VCF-style: chr10-43102551-G-C. GRCh37 (hg19) VCF-style: chr10-43597999-G-C.
Other names: c.547G>C, p.Gly183Arg (NM_001406743.1, NM_001406744.1, NM_001406759.1 and 14 more transcripts); c.418G>C, p.Gly140Arg (NM_001406761.1, NM_001406762.1, NM_001406764.1 and 4 more transcripts); c.337+1829G>C (NM_001406770.1, NM_001406766.1, NM_001406767.1 and 8 more transcripts); c.74-6480G>C (NM_001406784.1); c.74-9548G>C (NM_001406794.1, NM_001406792.1, NM_001406793.1); short protein forms G183R, G140R.
Identifiers: ClinVar variation 4152778 (VCV004152778.1).